The following is an entry in ClinVar:

NM_000244.4(MEN1):c.-35A>T

Gene: MEN1 (menin 1; minus strand). Cytogenetic location: 11q13.1.
Variant type: single nucleotide variant.
Coding change: c.-35A>T on transcript NM_000244.4; 35 bases upstream of the start codon, A replaced by T.
Molecular consequence: 5 prime UTR variant. On other transcripts: intron variant (2).
Genome position (GRCh38, 1-based): chr11:64,810,641, T>A on the plus strand (A>T on the coding strand, the complement: MEN1 is on the minus strand). VCF-style: chr11-64810641-T-A. GRCh37 (hg19) VCF-style: chr11-64578113-T-A.
Other names: c.-35A>T (NM_001407144.1, NM_001407148.1, NM_130799.3); c.-24+173A>T (NM_130804.3, NM_130803.3).
Identifiers: ClinVar variation 305317 (VCV000305317.12), dbSNP rs679946, ClinGen allele CA10635266.

ClinVar aggregate classification (germline): Benign. Review status: criteria provided, multiple submitters, no conflicts (2 of 4 stars). 7 submissions from 6 submitters: Benign (5). 2 of the submissions do not count toward it. Last evaluated 2022-04-07.

Conditions:
Hyperparathyroidism. Identifiers: MedGen C0020502, MONDO:0001741, HP:0000843.
Multiple endocrine neoplasia, type 1 (MEN1). Also called: MEA I; MEN I; WERMER SYNDROME; Endocrine adenomatosis multiple; MEN 1. Identifiers: Orphanet 652, MedGen C0025267, MeSH D018761, MONDO:0007540, OMIM 131100.

Allele frequency attached by ClinVar (database versions not stated): 1000 Genomes Project 0.19728; 1000 Genomes Project 30x 0.19254; TOPMed 0.32419.
gnomAD v4.1: 50,210 of 153,738 alleles (33%); highest among the groups gnomAD compares: Non-Finnish European, 48%; 10,744 homozygotes.

Submissions (7):

Fulgent Genetics
Classification: Benign for Multiple endocrine neoplasia, type 1. Last evaluated: 2022-04-07. Review status: criteria provided, single submitter. Criteria: ACMG Guidelines, 2015. Collection method: clinical testing. Allele origin: unknown.

Illumina Laboratory Services, Illumina
Classification: Benign for Hyperparathyroidism. Last evaluated: 2018-01-13. Review status: criteria provided, single submitter. Criteria: ICSL Variant Classification Criteria 13 December 2019. Collection method: clinical testing. Allele origin: germline.
Comment: This variant was observed in the ICSL laboratory as part of a predisposition screen in an ostensibly healthy population. It had not been previously curated by ICSL or reported in the Human Gene Mutation Database (HGMD: prior to June 1st, 2018), and was therefore a candidate for classification through an automated scoring system. Utilizing variant allele frequency, disease prevalence and penetrance estimates, and inheritance mode, an automated score was calculated to assess if this variant is too frequent to cause the disease. Based on the score and internal cut-off values, a variant classified as benign is not then subjected to further curation. The score for this variant resulted in a classification of benign for this disease.

Illumina Laboratory Services, Illumina
Classification: Benign for Multiple endocrine neoplasia, type 1. Last evaluated: 2018-01-13. Review status: criteria provided, single submitter. Criteria: ICSL Variant Classification Criteria 13 December 2019. Collection method: clinical testing. Allele origin: germline.
Comment: the same text as in the submission from Illumina Laboratory Services, Illumina above.

GeneDx
Classification: Benign. Last evaluated: 2016-02-10. Review status: criteria provided, single submitter. Criteria: GeneDx Variant Classification (06012015). Collection method: clinical testing. Allele origin: germline. Affected: yes.
Comment: This variant is considered likely benign or benign based on one or more of the following criteria: it is a conservative change, it occurs at a poorly conserved position in the protein, it is predicted to be benign by multiple in silico algorithms, and/or has population frequency not consistent with disease.

Breakthrough Genomics
Classification: Benign. Review status: criteria provided, single submitter. Criteria: ACMG Guidelines, 2015. Collection method: not provided. Allele origin: germline. Inheritance: Autosomal dominant inheritance. Affected: yes.

Genome Diagnostics Laboratory, University Medical Center Utrecht
Classification: Benign. Review status: no assertion criteria provided. Collection method: clinical testing. Allele origin: germline. Affected: yes. Study: VKGL Data-share Consensus. Not counted in ClinVar's aggregate classification.

Joint Genome Diagnostic Labs from Nijmegen and Maastricht, Radboudumc and MUMC+
Classification: Benign. Review status: no assertion criteria provided. Collection method: clinical testing. Allele origin: germline. Affected: yes. Study: VKGL Data-share Consensus. Not counted in ClinVar's aggregate classification.